The following is an entry in ClinVar:

ClinVar aggregate classification (germline): Conflicting classifications of pathogenicity. Review status: criteria provided, conflicting classifications (1 of 4 stars). 4 submissions from 4 submitters: Uncertain significance (1); Likely benign (3). Last evaluated 2026-02-04.

Conditions:
Progressive myoclonic epilepsy type 3. Also called: EPILEPSY, PROGRESSIVE MYOCLONIC, 3, WITHOUT INTRACELLULAR INCLUSIONS; EPILEPSY, PROGRESSIVE MYOCLONIC, 3, WITH OR WITHOUT INTRACELLULAR INCLUSIONS; CEROID LIPOFUSCINOSIS, NEURONAL, 14; KCTD7-Related Progressive Myoclonic Epilepsy. Identifiers: Orphanet 263516, MedGen C2673257, MONDO:0012721, OMIM 611726.

Allele frequency attached by ClinVar (database versions not stated): gnomAD exomes 0.00001 and 0.00002; ExAC 0.00002; gnomAD 0.00002; TOPMed 0.00002.
gnomAD v4.1: 12 of 1,614,064 alleles (0.00074%); highest among the groups gnomAD compares: South Asian, 0.0022%; no homozygotes.

Submissions (4):

Labcorp Genetics (formerly Invitae), Labcorp
Classification: Likely benign for Progressive myoclonic epilepsy type 3. Last evaluated: 2026-02-04. Review status: criteria provided, single submitter. Criteria: Invitae Variant Classification Sherloc (09022015). Collection method: clinical testing. Allele origin: germline.

Blueprint Genetics
Classification: Likely benign. Last evaluated: 2024-05-10. Review status: criteria provided, single submitter. Criteria: ACMG Guidelines, 2015. Collection method: clinical testing. Allele origin: germline.

GeneDx
Classification: Likely benign. Last evaluated: 2018-03-20. Review status: criteria provided, single submitter. Criteria: GeneDx Variant Classification (06012015). Collection method: clinical testing. Allele origin: germline. Affected: yes.
Comment: This variant is considered likely benign or benign based on one or more of the following criteria: it is a conservative change, it occurs at a poorly conserved position in the protein, it is predicted to be benign by multiple in silico algorithms, and/or has population frequency not consistent with disease.

Illumina Laboratory Services, Illumina
Classification: Uncertain significance for Progressive myoclonic epilepsy type 3. Last evaluated: 2018-01-13. Review status: criteria provided, single submitter. Criteria: ICSL Variant Classification Criteria 13 December 2019. Collection method: clinical testing. Allele origin: germline.

NM_153033.5(KCTD7):c.369A>C (p.Arg123=)

Gene: KCTD7 (potassium channel tetramerization domain containing 7; plus strand). Cytogenetic location: 7q11.21.
Variant type: single nucleotide variant.
Coding change: c.369A>C on transcript NM_153033.5 (MANE Select); coding-DNA position 369, A replaced by C.
Protein change: p.Arg123=; no amino-acid change (arginine 123 retained).
Molecular consequence: synonymous variant.
Genome position (GRCh38, 1-based): chr7:66,638,307, A>C. VCF-style: chr7-66638307-A-C. GRCh37 (hg19) VCF-style: chr7-66103294-A-C.
Other names: c.369A>C, p.Arg123= (NM_001167961.2).
Identifiers: ClinVar variation 360586 (VCV000360586.9), dbSNP rs753658170, ClinGen allele CA4278244.